The following is an entry in ClinVar:

NM_015629.4(PRPF31):c.73_166dup (p.Asp56fs)

Gene: PRPF31 (pre-mRNA processing factor 31; plus strand). Cytogenetic location: 19q13.42.
Variant type: Duplication.
Coding change: c.73_166dup on transcript NM_015629.4 (MANE Select); coding-DNA positions 73 to 166, 94 bases duplicated.
Protein change: p.Asp56fs; shifts the reading frame from aspartic acid 56.
Molecular consequence: frameshift variant.
Genome position (GRCh38, 1-based): chr19:54,118,351-54,118,444, 94 bases duplicated. GRCh37 (hg19): chr19:54,621,731-54,621,824.
Other names: short protein forms D56fs.
Identifiers: ClinVar variation 866568 (VCV000866568.5), dbSNP rs2073701307, ClinGen allele CA916083728.

ClinVar aggregate classification (germline): Pathogenic/Likely pathogenic. Review status: criteria provided, multiple submitters, no conflicts (2 of 4 stars). 3 submissions from 3 submitters: Pathogenic (1); Likely pathogenic (2). Last evaluated 2025-04-25.

Conditions:
PRPF31-related disorder. Also called: PRPF31-related condition.
Retinitis pigmentosa (RP). Identifiers: Orphanet 791, MedGen C0035334, MeSH D012174, MONDO:0019200, OMIM 268000. Inheritance: Autosomal dominant, autosomal recessive and X linked inheritance.

Submissions (3):

Labcorp Genetics (formerly Invitae), Labcorp
Classification: Pathogenic. Last evaluated: 2025-04-25. Review status: criteria provided, single submitter. Criteria: Invitae Variant Classification Sherloc (09022015). Collection method: clinical testing. Allele origin: germline.
Comment: This sequence change creates a premature translational stop signal (p.Asp56Glyfs*33) in the PRPF31 gene. It is expected to result in an absent or disrupted protein product. Loss-of-function variants in PRPF31 are known to be pathogenic (PMID: 18317597, 23950152). This variant is not present in population databases (gnomAD no frequency). This premature translational stop signal has been observed in individual(s) with PRPF31-related conditions (PMID: 34906470). ClinVar contains an entry for this variant (Variation ID: 866568). For these reasons, this variant has been classified as Pathogenic.

Broad Center for Mendelian Genomics, Broad Institute of MIT and Harvard
Classification: Likely pathogenic for Retinitis pigmentosa. Last evaluated: 2021-04-01. Review status: criteria provided, single submitter. Criteria: ACMG Guidelines, 2015. Collection method: curation. Allele origin: germline. Inheritance: Autosomal dominant inheritance. Affected: yes.
Comment: Through a review of available evidence we were able to apply the following criteria: PVS1, PM2. Based on this evidence we have classified this variant as Likely Pathogenic. If you have any questions about the classification please reach out to the Pierce Lab.

Blueprint Genetics
Classification: Likely pathogenic for PRPF31-related disorders. Last evaluated: 2019-03-01. Review status: criteria provided, single submitter. Criteria: ACMG Guidelines, 2015. Collection method: clinical testing. Allele origin: germline. Affected: yes. Observed: 1 variant allele.

Literature cited by the submitters: PubMed 18317597 (cited by Labcorp Genetics (formerly Invitae), Labcorp); PubMed 23950152 (cited by Labcorp Genetics (formerly Invitae), Labcorp); PubMed 34906470 (cited by Labcorp Genetics (formerly Invitae), Labcorp and Broad Center for Mendelian Genomics, Broad Institute of MIT and Harvard).